The following is an entry in ClinVar:

NM_025219.3(DNAJC5):c.370T>G (p.Cys124Gly)

Gene: DNAJC5 (DnaJ heat shock protein family (Hsp40) member C5; plus strand). Cytogenetic location: 20q13.33.
Variant type: single nucleotide variant.
Coding change: c.370T>G on transcript NM_025219.3 (MANE Select); coding-DNA position 370, T replaced by G.
Protein change: p.Cys124Gly; replaces cysteine 124 with glycine.
Molecular consequence: missense variant.
Genome position (GRCh38, 1-based): chr20:63,930,899, T>G. VCF-style: chr20-63930899-T-G. GRCh37 (hg19) VCF-style: chr20-62562252-T-G.
Other names: short protein forms C124G.
Identifiers: ClinVar variation 1382457 (VCV001382457.8), dbSNP rs373850027, ClinGen allele CA317521987.

ClinVar aggregate classification (germline): Uncertain significance (1 of 4 stars; one submission).

Conditions:
Neuronal ceroid lipofuscinosis. Also called: Neuronal Ceroid Lipofuscinoses. Identifiers: Orphanet 216, Orphanet 79263, MedGen C0027877, MONDO:0016295. Disease mechanism: loss of function.

Allele frequency attached by ClinVar (database versions not stated): TOPMed below 0.00001; gnomAD 0.00001; gnomAD exomes 0.00001; ESP Exome Variant Server 0.00008.
gnomAD v4.1: 12 of 1,613,928 alleles (0.00074%); highest among the groups gnomAD compares: African/African-American, 0.0013%; no homozygotes.

Submission:

Labcorp Genetics (formerly Invitae), Labcorp
Classification: Uncertain significance for Neuronal ceroid lipofuscinosis. Last evaluated: 2023-10-28. Review status: criteria provided, single submitter. Criteria: Invitae Variant Classification Sherloc (09022015). Collection method: clinical testing. Allele origin: germline.
Comment: This sequence change replaces cysteine, which is neutral and slightly polar, with glycine, which is neutral and non-polar, at codon 124 of the DNAJC5 protein (p.Cys124Gly). This variant is not present in population databases (gnomAD no frequency). This variant has not been reported in the literature in individuals affected with DNAJC5-related conditions. ClinVar contains an entry for this variant (Variation ID: 1382457). An algorithm developed to predict the effect of missense changes on protein structure and function (PolyPhen-2) suggests that this variant is likely to be disruptive. In summary, the available evidence is currently insufficient to determine the role of this variant in disease. Therefore, it has been classified as a Variant of Uncertain Significance.